The following is an entry in ClinVar:

NM_000660.7(TGFB1):c.1159T>G (p.Cys387Gly)

Gene: TGFB1 (transforming growth factor beta 1; minus strand). Cytogenetic location: 19q13.2.
Variant type: single nucleotide variant.
Coding change: c.1159T>G on transcript NM_000660.7 (MANE Select); coding-DNA position 1159, T replaced by G.
Protein change: p.Cys387Gly; replaces cysteine 387 with glycine.
Molecular consequence: missense variant.
Genome position (GRCh38, 1-based): chr19:41,331,066, A>C on the plus strand (T>G on the coding strand, the complement: TGFB1 is on the minus strand). VCF-style: chr19-41331066-A-C. GRCh37 (hg19) VCF-style: chr19-41836971-A-C.
Other names: c.1159T>G (NM_000660.4); short protein forms C387G.
Identifiers: ClinVar variation 2073996 (VCV002073996.5), dbSNP rs1336387628, ClinGen allele CA405997641.

ClinVar aggregate classification (germline): Uncertain significance. Review status: criteria provided, multiple submitters, no conflicts (2 of 4 stars). 2 submissions from 2 submitters: Uncertain significance (2). Last evaluated 2024-05-22.

Allele frequency attached by ClinVar (database versions not stated): TOPMed below 0.00001; gnomAD 0.00001.
gnomAD v4.1: 2 of 1,572,708 alleles (0.00013%); highest among the groups gnomAD compares: Non-Finnish European, 0.00017%; no homozygotes.

Submissions (2):

GeneDx
Classification: Uncertain significance. Last evaluated: 2024-05-22. Review status: criteria provided, single submitter. Criteria: GeneDx Variant Classification Process June 2021. Collection method: clinical testing. Allele origin: germline. Affected: yes.
Comment: In silico analysis supports that this missense variant has a deleterious effect on protein structure/function; Not observed at significant frequency in large population cohorts (gnomAD); Has not been previously published as pathogenic or benign to our knowledge; This variant is associated with the following publications: (PMID: 29483653)

Labcorp Genetics (formerly Invitae), Labcorp
Classification: Uncertain significance. Last evaluated: 2022-11-04. Review status: criteria provided, single submitter. Criteria: Invitae Variant Classification Sherloc (09022015). Collection method: clinical testing. Allele origin: germline.
Comment: This sequence change replaces cysteine, which is neutral and slightly polar, with glycine, which is neutral and non-polar, at codon 387 of the TGFB1 protein (p.Cys387Gly). This variant is not present in population databases (gnomAD no frequency). This variant has not been reported in the literature in individuals affected with TGFB1-related conditions. Advanced modeling of protein sequence and biophysical properties (such as structural, functional, and spatial information, amino acid conservation, physicochemical variation, residue mobility, and thermodynamic stability) performed at Invitae indicates that this missense variant is expected to disrupt TGFB1 protein function. In summary, the available evidence is currently insufficient to determine the role of this variant in disease. Therefore, it has been classified as a Variant of Uncertain Significance.